The following is an entry in ClinVar:

NM_002282.3(KRT83):c.147C>A (p.Gly49=)

Gene: KRT83 (keratin 83; minus strand). Cytogenetic location: 12q13.13.
Variant type: single nucleotide variant.
Coding change: c.147C>A on transcript NM_002282.3 (MANE Select); coding-DNA position 147, C replaced by A.
Protein change: p.Gly49=; no amino-acid change (glycine 49 retained).
Molecular consequence: synonymous variant.
Genome position (GRCh38, 1-based): chr12:52,321,189, G>T on the plus strand (C>A on the coding strand, the complement: KRT83 is on the minus strand). VCF-style: chr12-52321189-G-T. GRCh37 (hg19) VCF-style: chr12-52714973-G-T.
Identifiers: ClinVar variation 309544 (VCV000309544.6), dbSNP rs542978203, ClinGen allele CA6577807.

ClinVar aggregate classification (germline): Benign/Likely benign. Review status: criteria provided, multiple submitters, no conflicts (2 of 4 stars). 2 submissions from 2 submitters: Benign (1); Likely benign (1). Last evaluated 2024-10-24.

Conditions:
Monilethrix. Also called: Beaded hair. Identifiers: Orphanet 573, MedGen C0546966, MONDO:0008009, HP:0032470.

Allele frequency attached by ClinVar (database versions not stated): gnomAD 0.00001 and 0.00015; TOPMed 0.00004; gnomAD exomes 0.00029 and 0.00054; ExAC 0.00055; 1000 Genomes Project 0.00180.
gnomAD v4.1: 440 of 1,612,902 alleles (0.027%); highest among the groups gnomAD compares: South Asian, 0.45%; 2 homozygotes.

Submissions (2):

Blueprint Genetics
Classification: Likely benign. Last evaluated: 2024-10-24. Review status: criteria provided, single submitter. Criteria: ACMG Guidelines, 2015. Collection method: clinical testing. Allele origin: germline.

Illumina Laboratory Services, Illumina
Classification: Benign for Monilethrix-1. Last evaluated: 2018-01-12. Review status: criteria provided, single submitter. Criteria: ICSL Variant Classification Criteria 13 December 2019. Collection method: clinical testing. Allele origin: germline.
Comment: This variant was observed in the ICSL laboratory as part of a predisposition screen in an ostensibly healthy population. It had not been previously curated by ICSL or reported in the Human Gene Mutation Database (HGMD: prior to June 1st, 2018), and was therefore a candidate for classification through an automated scoring system. Utilizing variant allele frequency, disease prevalence and penetrance estimates, and inheritance mode, an automated score was calculated to assess if this variant is too frequent to cause the disease. Based on the score and internal cut-off values, a variant classified as benign is not then subjected to further curation. The score for this variant resulted in a classification of benign for this disease.